The following is an entry in ClinVar:

ClinVar aggregate classification (germline): Likely pathogenic. Review status: criteria provided, multiple submitters, no conflicts (2 of 4 stars). 2 submissions from 2 submitters: Likely pathogenic (2). Last evaluated 2026-02-03.

Conditions:
Lethal congenital contractural syndrome Finnish type.

gnomAD v4.1: 4 of 1,605,806 alleles (0.00025%); highest among the groups gnomAD compares: Non-Finnish European, 0.00026%; no homozygotes.

Submissions (2):

GeneDx
Classification: Likely pathogenic. Last evaluated: 2026-02-03. Review status: criteria provided, single submitter. Criteria: GeneDx Variant Classification Process June 2021. Collection method: clinical testing. Allele origin: germline.
Comment: Not observed at significant frequency in large population cohorts (gnomAD); In silico analysis supports that this missense variant has a deleterious effect on protein structure/function; This variant is associated with the following publications: (PMID: 33820833, 32954510)

Natera, Inc.
Classification: Likely pathogenic for Lethal congenital contractural syndrome Finnish type. Last evaluated: 2025-05-01. Review status: criteria provided, single submitter. Criteria: Natera Variant Classification Schema (03/2026). Collection method: clinical testing. Allele origin: germline.
Comment: The c.1790G>A variant in GLE1 is a missense variant predicted to cause substitution of glycine to aspartic acid at amino acid 597. This variant is rare in the general population with a frequency below the threshold expected for the associated phenotype(s). This variant has been observed in one or more individuals affected with the associated recessive disease, as either homozygous or compound heterozygous with a second variant (PMID: 32954510). Computational prediction algorithms indicate this variant is likely to affect gene or protein function. Given the available evidence, this variant is classified as Likely Pathogenic.

Literature cited by the submitters: PubMed 32954510 (cited by Natera, Inc.).

NM_001003722.2(GLE1):c.1790G>A (p.Gly597Asp)

Genes: GLE1 (GLE1 RNA export mediator; plus strand), LOC101929270 (uncharacterized LOC101929270; minus strand). Cytogenetic location: 9q34.11.
Variant type: single nucleotide variant.
Coding change: c.1790G>A on transcript NM_001003722.2 (MANE Select); coding-DNA position 1790, G replaced by A.
Protein change: p.Gly597Asp; replaces glycine 597 with aspartic acid.
Molecular consequence: missense variant.
Genome position (GRCh38, 1-based): chr9:128,537,999, G>A. VCF-style: chr9-128537999-G-A. GRCh37 (hg19) VCF-style: chr9-131300278-G-A.
Other names: c.1817G>A, p.Gly606Asp (NM_001411013.1); c.1790G>A, p.Gly597Asp (NM_001499.2); short protein forms G597D, G606D.
Identifiers: ClinVar variation 4814493 (VCV004814493.2).